The following is an entry in ClinVar:

NM_018131.5(CEP55):c.641A>G (p.His214Arg)

Gene: CEP55 (centrosomal protein 55; plus strand). Cytogenetic location: 10q23.33.
Variant type: single nucleotide variant.
Coding change: c.641A>G on transcript NM_018131.5 (MANE Select); coding-DNA position 641, A replaced by G.
Protein change: p.His214Arg; replaces histidine 214 with arginine.
Molecular consequence: missense variant.
Genome position (GRCh38, 1-based): chr10:93,515,517, A>G. VCF-style: chr10-93515517-A-G. GRCh37 (hg19) VCF-style: chr10-95275274-A-G.
Other names: c.641A>G, p.His214Arg (NM_001127182.2); short protein forms H214R.
Identifiers: ClinVar variation 3039244 (VCV003039244.4), dbSNP rs143356116, ClinGen allele CA5608963.

ClinVar aggregate classification (germline): Benign. Review status: criteria provided, single submitter (1 of 4 stars). 2 submissions from 2 submitters: Benign (1). 1 of the submissions does not count toward it. Last evaluated 2025-06-03.

Conditions:
CEP55-related disorder. Also called: CEP55-related condition.

Allele frequency attached by ClinVar (database versions not stated): gnomAD exomes 0.00025; 1000 Genomes Project 0.00040; ExAC 0.00041; gnomAD 0.00027; 1000 Genomes Project 30x 0.00031; ESP Exome Variant Server 0.00015; TOPMed 0.00039.
gnomAD v4.1: 440 of 1,613,906 alleles (0.027%); highest among the groups gnomAD compares: Middle Eastern, 0.36%; 2 homozygotes.

Submissions (2):

Labcorp Genetics (formerly Invitae), Labcorp
Classification: Benign. Last evaluated: 2025-06-03. Review status: criteria provided, single submitter. Criteria: Invitae Variant Classification Sherloc (09022015). Collection method: clinical testing. Allele origin: germline.

PreventionGenetics, part of Exact Sciences
Classification: Benign for CEP55-related condition. Last evaluated: 2021-02-01. Review status: no assertion criteria provided. Collection method: clinical testing. Allele origin: germline. Not counted in ClinVar's aggregate classification.
Comment: This variant is classified as benign based on ACMG/AMP sequence variant interpretation guidelines (Richards et al. 2015 PMID: 25741868, with internal and published modifications).